The following is an entry in ClinVar:

ClinVar aggregate classification (germline): Conflicting classifications of pathogenicity. Review status: criteria provided, conflicting classifications (1 of 4 stars). 2 submissions from 2 submitters: Pathogenic (1); Uncertain significance (1). Last evaluated 2021-04-02.

Conditions:
Cardiovascular phenotype. Identifiers: MedGen CN230736.
Alagille syndrome due to a JAG1 point mutation. Also called: JAG1-Related Alagille Syndrome; Alagille Syndrome 1; HEPATIC DUCTULAR HYPOPLASIA, SYNDROMATIC. Identifiers: Orphanet 261619, Orphanet 52, MedGen C1956125, MONDO:0016862, OMIM 118450.

Submissions (3):

Labcorp Genetics (formerly Invitae), Labcorp
Classification: Pathogenic for Alagille syndrome due to a JAG1 point mutation. Last evaluated: 2021-04-02. Review status: criteria provided, single submitter. Criteria: Invitae Variant Classification Sherloc (09022015). Collection method: clinical testing. Allele origin: germline.
Comment: This sequence change replaces cysteine with tyrosine at codon 293 of the JAG1 protein (p.Cys293Tyr). The cysteine residue is highly conserved and there is a large physicochemical difference between cysteine and tyrosine. This variant is not present in population databases (ExAC no frequency). This variant has been observed in individual(s) with Alagille syndrome (Invitae). It has also been observed to segregate with disease in related individuals. ClinVar contains an entry for this variant (Variation ID: 574788). Advanced modeling of protein sequence and biophysical properties (such as structural, functional, and spatial information, amino acid conservation, physicochemical variation, residue mobility, and thermodynamic stability) performed at Invitae indicates that this missense variant is expected to disrupt JAG1 protein function. For these reasons, this variant has been classified as Pathogenic.

Ambry Genetics
Classification: Uncertain significance for Cardiovascular phenotype. Last evaluated: 2014-08-11. Review status: criteria provided, single submitter. Criteria: Ambry Variant Classification Scheme 2023. Collection method: clinical testing. Allele origin: germline.
Comment: The p.C293Y variant (also known as c.878G>A), located in coding exon 6 of the JAG1 gene, results from a G to A substitution at nucleotide position 878. The cysteine at codon 293 is replaced by tyrosine, an amino acid with highly dissimilar properties. This variant was not reported in population based cohorts in the following databases: Database of Single Nucleotide Polymorphisms (dbSNP), NHLBI Exome Sequencing Project (ESP), and 1000 Genomes Project. In the ESP, this variant was not observed in 6503 samples (13006 alleles) with coverage at this position. This amino acid position is highly conserved in available vertebrate species. In addition, this alteration is predicted to be deleterious by in silico analysis. Since supporting evidence is limited at this time, the clinical significance of this variant remains unclear.

Gilbert/Spinner Lab, Children's Hospital of Philadelphia
No classification provided (evidence only). Condition: Alagille syndrome. Review status: no classification provided. Collection method: research. Allele origin: not applicable. Functional consequence: functionally_abnormal. Not counted in ClinVar's aggregate classification.
ClinVar note: "not provided" was previously submitted as the classification for the variant. However, the classification appeared to be based only on an observation of functional data so it was converted to no classification on 2025-07-30.

NM_000214.3(JAG1):c.878G>A (p.Cys293Tyr)

Gene: JAG1 (jagged canonical Notch ligand 1; minus strand). Cytogenetic location: 20p12.2.
Variant type: single nucleotide variant.
Coding change: c.878G>A on transcript NM_000214.3 (MANE Select); coding-DNA position 878, G replaced by A.
Protein change: p.Cys293Tyr; replaces cysteine 293 with tyrosine.
Molecular consequence: missense variant.
Genome position (GRCh38, 1-based): chr20:10,652,476, C>T on the plus strand (G>A on the coding strand, the complement: JAG1 is on the minus strand). VCF-style: chr20-10652476-C-T. GRCh37 (hg19) VCF-style: chr20-10633124-C-T.
Other names: c.878G>A, p.Cys293Tyr (LRG_1191t1); short protein forms C293Y.
Identifiers: ClinVar variation 574788 (VCV000574788.12), dbSNP rs1568798248, ClinGen allele CA408239211.